The following is an entry in ClinVar:

NM_018474.6(KIZ):c.11C>T (p.Thr4Ile)

Genes: KIZ (kizuna centrosomal protein; plus strand), LOC130065507 (ATAC-STARR-seq lymphoblastoid silent region 12713; plus strand). Cytogenetic location: 20p11.23.
Variant type: single nucleotide variant.
Coding change: c.11C>T on transcript NM_018474.6 (MANE Select); coding-DNA position 11, C replaced by T.
Protein change: p.Thr4Ile; replaces threonine 4 with isoleucine.
Molecular consequence: missense variant. On other transcripts: 5 prime UTR variant (4), synonymous variant (1).
Genome position (GRCh38, 1-based): chr20:21,126,126, C>T. VCF-style: chr20-21126126-C-T. GRCh37 (hg19) VCF-style: chr20-21106767-C-T.
Other names: c.-136C>T (NM_001163022.3, NM_001163023.3, NM_001352435.2); c.90C>T, p.Asp30= (NM_001276389.2); c.11C>T, p.Thr4Ile (NM_001352434.2); c.-376C>T (NM_001352436.2); short protein forms T4I.
Identifiers: ClinVar variation 950295 (VCV000950295.9), dbSNP rs907630303, ClinGen allele CA312975717.
Genomic context (GRCh38, chr20:21,126,126, plus strand): 5'-GGCCGAACGGCCACCCAGAGGCTGTGCTGAGCTGGCGCAGCGGCAGCAGCATGAGCCGGA[C>T]CCTCGCATCGGCCGTGCCCCTGTCGAGTCCCGACTACTACGAGAGGCTGGGCCAACTCCA-3'
Protein context (NP_060944.3, residues 1-14): MSR[Thr4Ile]LASAVPLSSP

ClinVar aggregate classification (germline): Uncertain significance. Review status: criteria provided, multiple submitters, no conflicts (2 of 4 stars). 2 submissions from 2 submitters: Uncertain significance (2). Last evaluated 2025-03-24.

Allele frequency attached by ClinVar (database versions not stated): gnomAD 0.00001; TOPMed 0.00002.
gnomAD v4.1: 6 of 1,515,080 alleles (0.0004%); highest among the groups gnomAD compares: African/African-American, 0.0029%; no homozygotes.

Submissions (2):

Ambry Genetics
Classification: Uncertain significance. Last evaluated: 2025-03-24. Review status: criteria provided, single submitter. Criteria: Ambry Variant Classification Scheme 2023. Collection method: clinical testing. Allele origin: germline.

Labcorp Genetics (formerly Invitae), Labcorp
Classification: Uncertain significance. Last evaluated: 2024-12-02. Review status: criteria provided, single submitter. Criteria: Invitae Variant Classification Sherloc (09022015). Collection method: clinical testing. Allele origin: germline.
Comment: This sequence change replaces threonine, which is neutral and polar, with isoleucine, which is neutral and non-polar, at codon 4 of the KIZ protein (p.Thr4Ile). The frequency data for this variant in the population databases is considered unreliable, as metrics indicate poor data quality at this position in the gnomAD database. This variant has not been reported in the literature in individuals affected with KIZ-related conditions. ClinVar contains an entry for this variant (Variation ID: 950295). Experimental studies and prediction algorithms are not available or were not evaluated, and the functional significance of this variant is currently unknown. In summary, the available evidence is currently insufficient to determine the role of this variant in disease. Therefore, it has been classified as a Variant of Uncertain Significance.